The following is an entry in ClinVar:

NM_022124.6(CDH23):c.4782C>T (p.Arg1594=)

Gene: CDH23 (cadherin related 23; plus strand). Cytogenetic location: 10q22.1.
Variant type: single nucleotide variant.
Coding change: c.4782C>T on transcript NM_022124.6 (MANE Select); coding-DNA position 4782, C replaced by T.
Protein change: p.Arg1594=; no amino-acid change (arginine 1594 retained).
Molecular consequence: synonymous variant.
Genome position (GRCh38, 1-based): chr10:71,741,858, C>T. VCF-style: chr10-71741858-C-T. GRCh37 (hg19) VCF-style: chr10-73501615-C-T.
Identifiers: ClinVar variation 287383 (VCV000287383.40), dbSNP rs756336099, ClinGen allele CA5545150.

ClinVar aggregate classification (germline): Conflicting classifications of pathogenicity. Review status: criteria provided, conflicting classifications (1 of 4 stars). 3 submissions from 3 submitters: Uncertain significance (1); Likely benign (2). Last evaluated 2026-01-16.

Allele frequency attached by ClinVar (database versions not stated): gnomAD 0.00001 and 0.00003; TOPMed 0.00001; ExAC 0.00011.
gnomAD v4.1: 76 of 1,610,894 alleles (0.0047%); highest among the groups gnomAD compares: South Asian, 0.049%; no homozygotes.

Submissions (3):

Labcorp Genetics (formerly Invitae), Labcorp
Classification: Likely benign. Last evaluated: 2026-01-16. Review status: criteria provided, single submitter. Criteria: Invitae Variant Classification Sherloc (09022015). Collection method: clinical testing. Allele origin: germline.

CeGaT Center for Human Genetics Tuebingen
Classification: Likely benign. Last evaluated: 2022-07-01. Review status: criteria provided, single submitter. Criteria: CeGaT Center For Human Genetics Tuebingen Variant Classification Criteria Version 2. Collection method: clinical testing. Allele origin: germline. Affected: yes. Observed: 1 variant allele.
Comment: CDH23: BP4, BP7

Eurofins Ntd Llc (ga)
Classification: Uncertain significance. Last evaluated: 2016-05-17. Review status: criteria provided, single submitter. Criteria: EGL Classification Definitions 2015. Collection method: clinical testing. Allele origin: germline. Observed: 1 variant allele, 1 heterozygote.